The following is an entry in ClinVar:

ClinVar aggregate classification (germline): Pathogenic (1 of 4 stars; one submission).

Conditions:
Arrhythmogenic cardiomyopathy with wooly hair and keratoderma. Also called: Dilated cardiomyopathy with woolly hair and keratoderma; PALMOPLANTAR KERATODERMA WITH LEFT VENTRICULAR CARDIOMYOPATHY AND WOOLLY HAIR; Carvajal syndrome; Arrhythmogenic cardiomyopathy with woolly hair and keratoderma. Identifiers: Orphanet 65282, MedGen C1854063, MONDO:0011581, OMIM 605676.
Arrhythmogenic right ventricular dysplasia 8 (ARVD8). Also called: Arrhythmogenic Right Ventricular Dysplasia/Cardiomyopathy 8; ARRHYTHMOGENIC RIGHT VENTRICULAR DYSPLASIA, FAMILIAL, 8; ARRHYTHMOGENIC RIGHT VENTRICULAR CARDIOMYOPATHY 8. Identifiers: MedGen C1843896, MONDO:0011831, OMIM 607450.

Submission:

Labcorp Genetics (formerly Invitae), Labcorp
Classification: Pathogenic for Arrhythmogenic cardiomyopathy with wooly hair and keratoderma; Arrhythmogenic right ventricular dysplasia 8. Last evaluated: 2023-06-25. Review status: criteria provided, single submitter. Criteria: Invitae Variant Classification Sherloc (09022015). Collection method: clinical testing. Allele origin: germline.
Comment: For these reasons, this variant has been classified as Pathogenic. This variant has not been reported in the literature in individuals affected with DSP-related conditions. This variant is not present in population databases (gnomAD no frequency). This sequence change creates a premature translational stop signal (p.Glu426*) in the DSP gene. It is expected to result in an absent or disrupted protein product. Loss-of-function variants in DSP are known to be pathogenic (PMID: 20716751, 24503780, 25227139).

Literature cited by the submitters: PubMed 20716751; PubMed 24503780; PubMed 25227139.

NM_004415.4(DSP):c.1276G>T (p.Glu426Ter)

Gene: DSP (desmoplakin; plus strand). Cytogenetic location: 6p24.3.
Variant type: single nucleotide variant.
Coding change: c.1276G>T on transcript NM_004415.4 (MANE Select); coding-DNA position 1276, G replaced by T.
Protein change: p.Glu426Ter; replaces glutamic acid 426 with a stop codon.
Molecular consequence: nonsense.
Genome position (GRCh38, 1-based): chr6:7,568,446, G>T. VCF-style: chr6-7568446-G-T. GRCh37 (hg19) VCF-style: chr6-7568679-G-T.
Other names: c.1276G>T, p.Glu426Ter (NM_001008844.3, NM_001319034.2, NM_001406591.1); short protein forms E426*.
Identifiers: ClinVar variation 2949296 (VCV002949296.3), dbSNP rs775308893, ClinGen allele CA362676299.